The following is an entry in ClinVar:

NM_001347721.2(DYRK1A):c.449dup (p.Tyr150Ter)

Gene: DYRK1A (dual specificity tyrosine phosphorylation regulated kinase 1A; plus strand). Cytogenetic location: 21q22.13.
Variant type: Duplication.
Coding change: c.449dup on transcript NM_001347721.2 (MANE Select); coding-DNA position 449, one base duplicated (A; older notation c.449dupA).
Protein change: p.Tyr150Ter; replaces tyrosine 150 with a stop codon.
Molecular consequence: nonsense.
Genome position (GRCh38, 1-based): chr21:37,480,786, A duplicated. VCF-style (leftmost placement, unchanged base first): chr21-37480785-T-TA. GRCh37 (hg19) VCF-style: chr21-38853087-T-TA.
Other names: c.449dup, p.Tyr150Ter (NM_001347722.2, NM_130436.2); c.362dup, p.Tyr121Ter (NM_001347723.2); c.476dup, p.Tyr159Ter (NM_001396.5, NM_101395.2, NM_130438.2); short protein forms Y159*, Y150*, Y121*.
Identifiers: ClinVar variation 369658 (VCV000369658.7), dbSNP rs1057516030, ClinGen allele CA10654752.

ClinVar aggregate classification (germline): Pathogenic. Review status: criteria provided, multiple submitters, no conflicts (2 of 4 stars). 2 submissions from 2 submitters: Pathogenic (2). Last evaluated 2019-05-02.

Conditions:
DYRK1A-related intellectual disability syndrome (MRD7). Also called: Intellectual developmental disorder, autosomal dominant 7; DYRK1A Syndrome. Identifiers: Orphanet 464306, MedGen C5568143, MONDO:0013578, OMIM 614104.

Submissions (2):

Labcorp Genetics (formerly Invitae), Labcorp
Classification: Pathogenic for DYRK1A-related intellectual disability syndrome. Last evaluated: 2019-05-02. Review status: criteria provided, single submitter. Criteria: Invitae Variant Classification Sherloc (09022015). Collection method: clinical testing. Allele origin: germline.
Comment: This sequence change creates a premature translational stop signal (p.Tyr159*) in the DYRK1A gene. It is expected to result in an absent or disrupted protein product. This variant is not present in population databases (ExAC no frequency). This variant has not been reported in the literature in individuals with DYRK1A-related conditions. ClinVar contains an entry for this variant (Variation ID: 369658). Loss-of-function variants in DYRK1A are known to be pathogenic (PMID: 25944381). For these reasons, this variant has been classified as Pathogenic.

HudsonAlpha Institute for Biotechnology
Classification: Pathogenic for DYRK1A-related intellectual disability syndrome. Last evaluated: 2016-11-10. Review status: criteria provided, single submitter. Criteria: HA_assertions_20161101. Collection method: research. Allele origin: unknown. Affected: yes. Observed: 1 variant allele. Study: CSER-HudsonAlpha.

Literature cited by the submitters: PubMed 25944381 (cited by Labcorp Genetics (formerly Invitae), Labcorp).